The following is an entry in ClinVar:

NM_001942.4(DSG1):c.820-9T>G

Gene: DSG1 (desmoglein 1; plus strand). Cytogenetic location: 18q12.1.
Variant type: single nucleotide variant.
Coding change: c.820-9T>G on transcript NM_001942.4 (MANE Select); 9 bases into the intron before coding-DNA position 820, T replaced by G.
Molecular consequence: intron variant.
Genome position (GRCh38, 1-based): chr18:31,334,008, T>G. VCF-style: chr18-31334008-T-G. GRCh37 (hg19) VCF-style: chr18-28913971-T-G.
Identifiers: ClinVar variation 3722219 (VCV003722219.2).

ClinVar aggregate classification (germline): Uncertain significance (1 of 4 stars; one submission).

gnomAD v4.1: 5 of 1,585,150 alleles (0.00032%); highest among the groups gnomAD compares: Non-Finnish European, 0.00035%; no homozygotes.

Submission:

Labcorp Genetics (formerly Invitae), Labcorp
Classification: Uncertain significance. Last evaluated: 2024-10-12. Review status: criteria provided, single submitter. Criteria: Invitae Variant Classification Sherloc (09022015). Collection method: clinical testing. Allele origin: germline.
Comment: This sequence change falls in intron 7 of the DSG1 gene. It does not directly change the encoded amino acid sequence of the DSG1 protein. This variant is not present in population databases (gnomAD no frequency). This variant has not been reported in the literature in individuals affected with DSG1-related conditions. Algorithms developed to predict the effect of sequence changes on RNA splicing suggest that this variant may disrupt the consensus splice site. In summary, the available evidence is currently insufficient to determine the role of this variant in disease. Therefore, it has been classified as a Variant of Uncertain Significance.